The following is an entry in ClinVar:

NM_000414.4(HSD17B4):c.1992G>C (p.Trp664Cys)

Gene: HSD17B4 (hydroxysteroid 17-beta dehydrogenase 4; plus strand). Cytogenetic location: 5q23.1.
Variant type: single nucleotide variant.
Coding change: c.1992G>C on transcript NM_000414.4 (MANE Select); coding-DNA position 1992, G replaced by C.
Protein change: p.Trp664Cys; replaces tryptophan 664 with cysteine.
Molecular consequence: missense variant.
Genome position (GRCh38, 1-based): chr5:119,531,403, G>C. VCF-style: chr5-119531403-G-C. GRCh37 (hg19) VCF-style: chr5-118867098-G-C.
Other names: c.2067G>C, p.Trp689Cys (NM_001199291.3); c.1938G>C, p.Trp646Cys (NM_001199292.2); c.1920G>C, p.Trp640Cys (NM_001292027.2); c.1572G>C, p.Trp524Cys (NM_001292028.2); c.1992G>C (NM_000414.3); short protein forms W664C, W689C, W646C, W524C, W640C.
Identifiers: ClinVar variation 618167 (VCV000618167.14), dbSNP rs752858179, ClinGen allele CA3382478.

ClinVar aggregate classification (germline): Uncertain significance. Review status: criteria provided, multiple submitters, no conflicts (2 of 4 stars). 5 submissions from 5 submitters: Uncertain significance (4). 1 of the submissions does not count toward it. Last evaluated 2025-02-16.

Conditions:
Perrault syndrome. Also called: Gonadal dysgenesis with auditory dysfunction, autosomal recessive inheritance. Identifiers: Orphanet 2855, MedGen C0685838, MONDO:0017312.
Bifunctional peroxisomal enzyme deficiency (DBIF). Also called: D-bifunctional protein deficiency; PBFE DEFICIENCY; DBP DEFICIENCY. Identifiers: Orphanet 300, MedGen C0342870, MONDO:0009855, OMIM 261515. Disease mechanism: loss of function.

Allele frequency attached by ClinVar (database versions not stated): gnomAD 0.00001; gnomAD exomes 0.00001 and 0.00004; ExAC 0.00002; TOPMed 0.00002.
gnomAD v4.1: 13 of 1,612,270 alleles (0.00081%); highest among the groups gnomAD compares: Admixed American, 0.022%; no homozygotes.

Submissions (5):

GeneDx
Classification: Uncertain significance. Last evaluated: 2025-02-16. Review status: criteria provided, single submitter. Criteria: GeneDx Variant Classification Process June 2021. Collection method: clinical testing. Allele origin: germline. Affected: yes.
Comment: In silico analysis supports that this missense variant has a deleterious effect on protein structure/function; Has not been previously published as pathogenic or benign to our knowledge

Women's Health and Genetics/Laboratory Corporation of America, LabCorp
Classification: Uncertain significance. Last evaluated: 2023-02-24. Review status: criteria provided, single submitter. Criteria: LabCorp Variant Classification Summary - May 2015. Collection method: clinical testing. Allele origin: germline.
Comment: Variant summary: HSD17B4 c.1992G>C (p.Trp664Cys) results in a non-conservative amino acid change located in the SCP2 sterol-binding domain (IPR003033) of the encoded protein sequence. Four of five in-silico tools predict a damaging effect of the variant on protein function. The variant allele was found at a frequency of 4e-05 in 251212 control chromosomes. This frequency is not significantly higher than estimated for a pathogenic variant in HSD17B4 causing D-Bifunctional Protein Deficiency (4e-05 vs 0.003), allowing no conclusion about variant significance. To our knowledge, no occurrence of c.1992G>C in individuals affected with D-Bifunctional Protein Deficiency and no experimental evidence demonstrating its impact on protein function have been reported. Three submitters have provided clinical-significance assessments for this variant to ClinVar after 2014, and all laboratories classified the variant as uncertain significance. Based on the evidence outlined above, the variant was classified as uncertain significance.

Labcorp Genetics (formerly Invitae), Labcorp
Classification: Uncertain significance for Perrault syndrome; Bifunctional peroxisomal enzyme deficiency. Last evaluated: 2022-08-19. Review status: criteria provided, single submitter. Criteria: Invitae Variant Classification Sherloc (09022015). Collection method: clinical testing. Allele origin: germline.
Comment: This sequence change replaces tryptophan, which is neutral and slightly polar, with cysteine, which is neutral and slightly polar, at codon 664 of the HSD17B4 protein (p.Trp664Cys). This variant is present in population databases (rs752858179, gnomAD 0.03%). This variant has not been reported in the literature in individuals affected with HSD17B4-related conditions. ClinVar contains an entry for this variant (Variation ID: 618167). Algorithms developed to predict the effect of missense changes on protein structure and function are either unavailable or do not agree on the potential impact of this missense change (SIFT: "Deleterious"; PolyPhen-2: "Probably Damaging"; Align-GVGD: "Class C0"). In summary, the available evidence is currently insufficient to determine the role of this variant in disease. Therefore, it has been classified as a Variant of Uncertain Significance.

ARUP Laboratories, Molecular Genetics and Genomics, ARUP Laboratories
Classification: Uncertain significance. Last evaluated: 2018-04-12. Review status: criteria provided, single submitter. Criteria: ARUP Molecular Germline Variant Investigation Process. Collection method: clinical testing. Allele origin: germline.
Comment: The p.Trp689Cys variant (rs752858179) has not been reported in the medical literature, gene specific variation databases, nor has it been previously identified by our laboratory. This variant is listed in the Genome Aggregation Database (gnomAD) with a frequency of 0.03 percent in the Latino population (identified on 10 out of 33,492 chromosomes). The tryptophan at position 689 is highly conserved up to zebrafish considering 12 species (Alamut v2.11) and computational analyses of the effects of the p.Trp689Cys variant on protein structure and function indicate a deleterious effect (SIFT: damaging, PolyPhen-2: probably damaging). Altogether, there is not enough evidence to classify the p.Trp689Cys variant with certainty.

Natera, Inc.
Classification: Uncertain significance for Bifunctional peroxisomal enzyme deficiency. Last evaluated: 2019-10-28. Review status: no assertion criteria provided. Collection method: clinical testing. Allele origin: germline. Not counted in ClinVar's aggregate classification.